The following is an entry in ClinVar:

NM_003579.4(RAD54L):c.287G>A (p.Arg96Gln)

Gene: RAD54L (RAD54 like; plus strand). Cytogenetic location: 1p34.1.
Variant type: single nucleotide variant.
Coding change: c.287G>A on transcript NM_003579.4 (MANE Select); coding-DNA position 287, G replaced by A.
Protein change: p.Arg96Gln; replaces arginine 96 with glutamine.
Molecular consequence: missense variant. On other transcripts: 5 prime UTR variant (1).
Genome position (GRCh38, 1-based): chr1:46,259,979, G>A. VCF-style: chr1-46259979-G-A. GRCh37 (hg19) VCF-style: chr1-46725651-G-A.
Other names: c.287G>A, p.Arg96Gln (NM_001142548.2); c.-254G>A (NM_001370766.1); short protein forms R96Q.
Identifiers: ClinVar variation 1797157 (VCV001797157.2), dbSNP rs1660058828, ClinGen allele CA340181608.

ClinVar aggregate classification (germline): Uncertain significance (1 of 4 stars; one submission).

gnomAD v4.1: 7 of 1,614,062 alleles (0.00043%); highest among the groups gnomAD compares: Non-Finnish European, 0.00042%; no homozygotes.

Submission:

Ambry Genetics
Classification: Uncertain significance. Last evaluated: 2022-09-13. Review status: criteria provided, single submitter. Criteria: Ambry Variant Classification Scheme 2023. Collection method: clinical testing. Allele origin: germline.
Comment: The p.R96Q variant (also known as c.287G>A), located in coding exon 5 of the RAD54L gene, results from a G to A substitution at nucleotide position 287. The arginine at codon 96 is replaced by glutamine, an amino acid with highly similar properties. This amino acid position is conserved. In addition, this alteration is predicted to be tolerated by in silico analysis. Since supporting evidence is limited at this time, the clinical significance of this alteration remains unclear.